The following is an entry in ClinVar:

ClinVar aggregate classification (germline): Uncertain significance (1 of 4 stars; one submission).

gnomAD v4.1: 3 of 1,550,114 alleles (0.00019%); highest among the groups gnomAD compares: East Asian, 0.0073%; no homozygotes.

Submission:

GeneDx
Classification: Uncertain significance. Last evaluated: 2024-10-01. Review status: criteria provided, single submitter. Criteria: GeneDx Variant Classification Process June 2021. Collection method: clinical testing. Allele origin: germline. Affected: yes.
Comment: In silico analysis supports that this missense variant has a deleterious effect on protein structure/function; Has not been previously published as pathogenic or benign to our knowledge

NM_001163809.2(WDR81):c.1646T>G (p.Phe549Cys)

Gene: WDR81 (WD repeat domain 81; plus strand). Cytogenetic location: 17p13.3.
Variant type: single nucleotide variant.
Coding change: c.1646T>G on transcript NM_001163809.2 (MANE Select); coding-DNA position 1646, T replaced by G.
Protein change: p.Phe549Cys; replaces phenylalanine 549 with cysteine.
Molecular consequence: missense variant. On other transcripts: intron variant (3).
Genome position (GRCh38, 1-based): chr17:1,726,605, T>G. VCF-style: chr17-1726605-T-G. GRCh37 (hg19) VCF-style: chr17-1629899-T-G.
Other names: c.-123-1385T>G (NM_152348.4); c.59-3775T>G (NM_001163673.2); c.-15+1819T>G (NM_001163811.2); short protein forms F549C.
Identifiers: ClinVar variation 3776354 (VCV003776354.1).